The following is an entry in ClinVar:

NM_015331.3(NCSTN):c.1574T>C (p.Phe525Ser)

Gene: NCSTN (nicastrin; plus strand). Cytogenetic location: 1q23.2.
Variant type: single nucleotide variant.
Coding change: c.1574T>C on transcript NM_015331.3 (MANE Select); coding-DNA position 1574, T replaced by C.
Protein change: p.Phe525Ser; replaces phenylalanine 525 with serine.
Molecular consequence: missense variant.
Genome position (GRCh38, 1-based): chr1:160,356,282, T>C. VCF-style: chr1-160356282-T-C. GRCh37 (hg19) VCF-style: chr1-160326072-T-C.
Other names: c.1514T>C, p.Phe505Ser (NM_001290184.2); c.1160T>C, p.Phe387Ser (NM_001290186.2); c.1574T>C, p.Phe525Ser (NM_001349729.2); short protein forms F387S, F505S, F525S.
Identifiers: ClinVar variation 2714593 (VCV002714593.3), dbSNP rs2525548891, ClinGen allele CA343282441.

ClinVar aggregate classification (germline): Uncertain significance (1 of 4 stars; one submission).

gnomAD v4.1: 3 of 1,613,636 alleles (0.00019%); highest among the groups gnomAD compares: Non-Finnish European, 0.00025%; no homozygotes.

Submission:

Labcorp Genetics (formerly Invitae), Labcorp
Classification: Uncertain significance. Last evaluated: 2024-01-31. Review status: criteria provided, single submitter. Criteria: Invitae Variant Classification Sherloc (09022015). Collection method: clinical testing. Allele origin: germline.
Comment: This sequence change replaces phenylalanine, which is neutral and non-polar, with serine, which is neutral and polar, at codon 525 of the NCSTN protein (p.Phe525Ser). This variant is not present in population databases (gnomAD no frequency). This variant has not been reported in the literature in individuals affected with NCSTN-related conditions. Advanced modeling of protein sequence and biophysical properties (such as structural, functional, and spatial information, amino acid conservation, physicochemical variation, residue mobility, and thermodynamic stability) performed at Invitae indicates that this missense variant is expected to disrupt NCSTN protein function with a positive predictive value of 80%. In summary, the available evidence is currently insufficient to determine the role of this variant in disease. Therefore, it has been classified as a Variant of Uncertain Significance.